The following is an entry in ClinVar:

ClinVar aggregate classification (germline): Benign. Review status: criteria provided, multiple submitters, no conflicts (2 of 4 stars). 3 submissions from 3 submitters: Benign (3). Last evaluated 2026-04-01.

Allele frequency attached by ClinVar (database versions not stated): 1000 Genomes Project 30x 0.00484; 1000 Genomes Project 0.00539; TOPMed 0.00647; gnomAD 0.00708 and 0.00726; ESP Exome Variant Server 0.00738; gnomAD exomes 0.00899 and 0.00951; ExAC 0.00959.
gnomAD v4.1: 14,894 of 1,614,040 alleles (0.92%); highest among the groups gnomAD compares: South Asian, 1.3%; 105 homozygotes.

Submissions (3):

CeGaT Center for Human Genetics Tuebingen
Classification: Benign. Last evaluated: 2026-04-01. Review status: criteria provided, single submitter. Criteria: CeGaT Center For Human Genetics Tuebingen Variant Classification Criteria Version 2. Collection method: clinical testing. Allele origin: germline. Affected: yes. Observed: 1 variant allele.
Comment: SPRTN: BP4, BS1, BS2

Labcorp Genetics (formerly Invitae), Labcorp
Classification: Benign. Last evaluated: 2019-12-31. Review status: criteria provided, single submitter. Criteria: Invitae Variant Classification Sherloc (09022015). Collection method: clinical testing. Allele origin: germline.

Breakthrough Genomics
Classification: Benign. Review status: criteria provided, single submitter. Criteria: ACMG Guidelines, 2015. Collection method: not provided. Allele origin: germline. Inheritance: Autosomal recessive inheritance. Affected: yes.

NM_032018.7(SPRTN):c.1315A>T (p.Thr439Ser)

Gene: SPRTN (SprT-like N-terminal domain; plus strand). Cytogenetic location: 1q42.2.
Variant type: single nucleotide variant.
Coding change: c.1315A>T on transcript NM_032018.7 (MANE Select); coding-DNA position 1315, A replaced by T.
Protein change: p.Thr439Ser; replaces threonine 439 with serine.
Molecular consequence: missense variant. On other transcripts: 3 prime UTR variant (2).
Genome position (GRCh38, 1-based): chr1:231,353,206, A>T. VCF-style: chr1-231353206-A-T. GRCh37 (hg19) VCF-style: chr1-231488952-A-T.
Other names: c.*1600A>T (NM_001010984.4, NM_001261462.3); short protein forms T439S.
Identifiers: ClinVar variation 714798 (VCV000714798.7), dbSNP rs62617126, ClinGen allele CA1452906.